The following is an entry in ClinVar:

ClinVar aggregate classification (germline): Uncertain significance (1 of 4 stars; one submission).

gnomAD v4.1: 8 of 1,613,954 alleles (0.0005%); highest among the groups gnomAD compares: East Asian, 0.018%; no homozygotes.

Submission:

Labcorp Genetics (formerly Invitae), Labcorp
Classification: Uncertain significance. Last evaluated: 2025-12-11. Review status: criteria provided, single submitter. Criteria: Invitae Variant Classification Sherloc (09022015). Collection method: clinical testing. Allele origin: germline.
Comment: This sequence change replaces proline, which is neutral and non-polar, with arginine, which is basic and polar, at codon 200 of the SIX2 protein (p.Pro200Arg). This variant is present in population databases (rs768678682, gnomAD 0.03%). This variant has not been reported in the literature in individuals affected with SIX2-related conditions. Invitae Evidence Modeling of protein sequence and biophysical properties (such as structural, functional, and spatial information, amino acid conservation, physicochemical variation, residue mobility, and thermodynamic stability) indicates that this missense variant is not expected to disrupt SIX2 protein function with a negative predictive value of 80%. In summary, the available evidence is currently insufficient to determine the role of this variant in disease. Therefore, it has been classified as a Variant of Uncertain Significance.

NM_016932.5(SIX2):c.599C>G (p.Pro200Arg)

Gene: SIX2 (SIX homeobox 2; minus strand). Cytogenetic location: 2p21.
Variant type: single nucleotide variant.
Coding change: c.599C>G on transcript NM_016932.5 (MANE Select); coding-DNA position 599, C replaced by G.
Protein change: p.Pro200Arg; replaces proline 200 with arginine.
Molecular consequence: missense variant.
Genome position (GRCh38, 1-based): chr2:45,006,447, G>C on the plus strand (C>G on the coding strand, the complement: SIX2 is on the minus strand). VCF-style: chr2-45006447-G-C. GRCh37 (hg19) VCF-style: chr2-45233586-G-C.
Other names: short protein forms P200R.
Identifiers: ClinVar variation 4749484 (VCV004749484.1).